The following is an entry in ClinVar:

ClinVar aggregate classification (germline): Uncertain significance (1 of 4 stars; one submission).

Submission:

CeGaT Center for Human Genetics Tuebingen
Classification: Uncertain significance. Last evaluated: 2025-09-01. Review status: criteria provided, single submitter. Criteria: CeGaT Center For Human Genetics Tuebingen Variant Classification Criteria Version 2. Collection method: clinical testing. Allele origin: germline. Affected: yes. Observed: 1 variant allele.
Comment: BGN: PM2

NM_001711.6(BGN):c.1072C>G (p.Arg358Gly)

Gene: BGN (biglycan; plus strand). Cytogenetic location: Xq28.
Variant type: single nucleotide variant.
Coding change: c.1072C>G on transcript NM_001711.6 (MANE Select); coding-DNA position 1072, C replaced by G.
Protein change: p.Arg358Gly; replaces arginine 358 with glycine.
Molecular consequence: missense variant.
Genome position (GRCh38, 1-based): chrX:153,508,410, C>G. VCF-style: chrX-153508410-C-G. GRCh37 (hg19) VCF-style: chrX-152773868-C-G.
Other names: short protein forms R358G.
Identifiers: ClinVar variation 4281380 (VCV004281380.7).